The following is an entry in ClinVar:

NM_020207.7(ERCC6L2):c.1447T>C (p.Phe483Leu)

Gene: ERCC6L2 (ERCC excision repair 6 like 2; plus strand). Cytogenetic location: 9q22.32.
Variant type: single nucleotide variant.
Coding change: c.1447T>C on transcript NM_020207.7 (MANE Select); coding-DNA position 1447, T replaced by C.
Protein change: p.Phe483Leu; replaces phenylalanine 483 with leucine.
Molecular consequence: missense variant. On other transcripts: non-coding transcript variant (1).
Genome position (GRCh38, 1-based): chr9:95,923,293, T>C. VCF-style: chr9-95923293-T-C. GRCh37 (hg19) VCF-style: chr9-98685575-T-C.
Other names: c.1447T>C, p.Phe483Leu (NM_001010895.4, NM_001375291.1, NM_001375292.1 and 2 more transcripts); short protein forms F483L.
Identifiers: ClinVar variation 3845854 (VCV003845854.1).

ClinVar aggregate classification (germline): Uncertain significance (1 of 4 stars; one submission).

Conditions:
Inborn genetic diseases. Identifiers: MedGen C0950123, MeSH D030342.

Submission:

Ambry Genetics
Classification: Uncertain significance for Inborn genetic diseases. Last evaluated: 2025-01-08. Review status: criteria provided, single submitter. Criteria: Ambry Variant Classification Scheme 2023. Collection method: clinical testing. Allele origin: germline.
Comment: The p.F483L variant (also known as c.1447T>C), located in coding exon 9 of the ERCC6L2 gene, results from a T to C substitution at nucleotide position 1447. The phenylalanine at codon 483 is replaced by leucine, an amino acid with highly similar properties. This amino acid position is conserved. In addition, the in silico prediction for this alteration is inconclusive. Based on the available evidence, the clinical significance of this variant remains unclear.